The following is an entry in ClinVar:

NM_014780.5(CUL7):c.2398-2A>G

Gene: CUL7 (cullin 7; minus strand). Cytogenetic location: 6p21.1.
Variant type: single nucleotide variant.
Coding change: c.2398-2A>G on transcript NM_014780.5 (MANE Select); the canonical splice acceptor site of the intron before coding-DNA position 2398, A replaced by G.
Molecular consequence: splice acceptor variant.
Genome position (GRCh38, 1-based): chr6:43,046,603, T>C on the plus strand (A>G on the coding strand, the complement: CUL7 is on the minus strand). VCF-style: chr6-43046603-T-C. GRCh37 (hg19) VCF-style: chr6-43014341-T-C.
Other names: c.2494-2A>G (NM_001168370.2, NM_001374872.1); c.2398-2A>G (NM_001374874.1, NM_001374873.1).
Identifiers: ClinVar variation 3063889 (VCV003063889.3), dbSNP rs1359152024, ClinGen allele CA364215916.

ClinVar aggregate classification (germline): Likely pathogenic. Review status: criteria provided, multiple submitters, no conflicts (2 of 4 stars). 2 submissions from 2 submitters: Likely pathogenic (2). Last evaluated 2024-11-27.

Conditions:
3-M syndrome. Also called: Three M syndrome; 3-MSBN; Three-M slender-boned nanism; 3M SYNDROME. Identifiers: Orphanet 2616, MedGen C1848862, MONDO:0007477.

Allele frequency attached by ClinVar (database versions not stated): gnomAD exomes below 0.00001; gnomAD 0.00001; TOPMed 0.00001.
gnomAD v4.1: 4 of 1,613,964 alleles (0.00025%); highest among the groups gnomAD compares: Admixed American, 0.005%; no homozygotes.

Submissions (2):

Labcorp Genetics (formerly Invitae), Labcorp
Classification: Likely pathogenic. Last evaluated: 2024-11-27. Review status: criteria provided, single submitter. Criteria: Invitae Variant Classification Sherloc (09022015). Collection method: clinical testing. Allele origin: germline.
Comment: This sequence change affects an acceptor splice site in intron 10 of the CUL7 gene. It is expected to disrupt RNA splicing. Variants that disrupt the donor or acceptor splice site typically lead to a loss of protein function (PMID: 16199547), and loss-of-function variants in CUL7 are known to be pathogenic (PMID: 16142236, 17675530, 19225462). This variant is not present in population databases (gnomAD no frequency). This variant has not been reported in the literature in individuals affected with CUL7-related conditions. ClinVar contains an entry for this variant (Variation ID: 3063889). Algorithms developed to predict the effect of sequence changes on RNA splicing suggest that this variant may disrupt the consensus splice site. In summary, the currently available evidence indicates that the variant is pathogenic, but additional data are needed to prove that conclusively. Therefore, this variant has been classified as Likely Pathogenic.

Women's Health and Genetics/Laboratory Corporation of America, LabCorp
Classification: Likely pathogenic for 3-M syndrome. Last evaluated: 2024-01-12. Review status: criteria provided, single submitter. Criteria: LabCorp Variant Classification Summary - May 2015. Collection method: clinical testing. Allele origin: germline.
Comment: Variant summary: CUL7 c.2398-2A>G is located in a canonical splice-site and is predicted to affect mRNA splicing resulting in a significantly altered protein due to either exon skipping, shortening, or inclusion of intronic material. Several computational tools predict a significant impact on normal splicing: Three predict the variant abolishes a 3' acceptor site. However, these predictions have yet to be confirmed by functional studies. The variant allele was found at a frequency of 2.5e-06 in 1613964 control chromosomes (gnomAD v4.0.0). The available data on variant occurrences in the general population are insufficient to allow any conclusion about variant significance. To our knowledge, no occurrence of c.2398-2A>G in individuals affected with Three M Syndrome 1 and no experimental evidence demonstrating its impact on protein function have been reported. No submitters have reported clinical-significance assessments for this variant to ClinVar. Based on the evidence outlined above, the variant was classified as likely pathogenic.

Literature cited by the submitters: PubMed 16199547 (cited by Labcorp Genetics (formerly Invitae), Labcorp); PubMed 16142236 (cited by Labcorp Genetics (formerly Invitae), Labcorp); PubMed 17675530 (cited by Labcorp Genetics (formerly Invitae), Labcorp); PubMed 19225462 (cited by Labcorp Genetics (formerly Invitae), Labcorp).